The following is an entry in ClinVar:

NM_033100.4(CDHR1):c.1681G>A (p.Glu561Lys)

Gene: CDHR1 (cadherin related family member 1; plus strand). Cytogenetic location: 10q23.1.
Variant type: single nucleotide variant.
Coding change: c.1681G>A on transcript NM_033100.4 (MANE Select); coding-DNA position 1681, G replaced by A.
Protein change: p.Glu561Lys; replaces glutamic acid 561 with lysine.
Molecular consequence: missense variant.
Genome position (GRCh38, 1-based): chr10:84,212,306, G>A. VCF-style: chr10-84212306-G-A. GRCh37 (hg19) VCF-style: chr10-85972062-G-A.
Other names: c.1681G>A, p.Glu561Lys (NM_001171971.3); short protein forms E561K.
Identifiers: ClinVar variation 2114428 (VCV002114428.1), dbSNP rs1399437738, ClinGen allele CA377378018.

ClinVar aggregate classification (germline): Uncertain significance (1 of 4 stars; one submission).

Allele frequency attached by ClinVar (database versions not stated): gnomAD 0.00001; gnomAD exomes 0.00001.

Submission:

Labcorp Genetics (formerly Invitae), Labcorp
Classification: Uncertain significance. Last evaluated: 2022-08-04. Review status: criteria provided, single submitter. Criteria: Invitae Variant Classification Sherloc (09022015). Collection method: clinical testing. Allele origin: germline.
Comment: This sequence change replaces glutamic acid, which is acidic and polar, with lysine, which is basic and polar, at codon 561 of the CDHR1 protein (p.Glu561Lys). This variant is present in population databases (no rsID available, gnomAD 0.002%). This variant has not been reported in the literature in individuals affected with CDHR1-related conditions. Advanced modeling of protein sequence and biophysical properties (such as structural, functional, and spatial information, amino acid conservation, physicochemical variation, residue mobility, and thermodynamic stability) performed at Invitae indicates that this missense variant is not expected to disrupt CDHR1 protein function. In summary, the available evidence is currently insufficient to determine the role of this variant in disease. Therefore, it has been classified as a Variant of Uncertain Significance.